The following is an entry in ClinVar:

ClinVar aggregate classification (germline): Likely benign (1 of 4 stars; one submission).

Allele frequency attached by ClinVar (database versions not stated): 1000 Genomes Project 30x 0.00796; 1000 Genomes Project 0.00799; gnomAD 0.00895 and 0.00962; TOPMed 0.01095.
gnomAD v4.1: 2,901 of 1,026,964 alleles (0.28%); highest among the groups gnomAD compares: African/African-American, 2.8%; 27 homozygotes.

Submission:

GeneDx
Classification: Likely benign. Last evaluated: 2018-06-14. Review status: criteria provided, single submitter. Criteria: GeneDx Variant Classification (06012015). Collection method: clinical testing. Allele origin: germline. Affected: yes.
Comment: This variant is considered likely benign or benign based on one or more of the following criteria: it is a conservative change, it occurs at a poorly conserved position in the protein, it is predicted to be benign by multiple in silico algorithms, and/or has population frequency not consistent with disease.

NM_130839.5(UBE3A):c.362-115C>T

Genes: SNHG14 (small nucleolar RNA host gene 14; plus strand), UBE3A (ubiquitin protein ligase E3A; minus strand). Cytogenetic location: 15q11.2.
Variant type: single nucleotide variant.
Coding change: c.362-115C>T on transcript NM_130839.5 (MANE Select); 115 bases into the intron before coding-DNA position 362, C replaced by T.
Molecular consequence: intron variant.
Genome position (GRCh38, 1-based): chr15:25,371,927, G>A on the plus strand (C>T on the coding strand, the complement: UBE3A is on the minus strand). VCF-style: chr15-25371927-G-A. GRCh37 (hg19) VCF-style: chr15-25617074-G-A.
Other names: c.185-115C>T (NM_001354546.2); c.301+3538C>T (NM_001354551.2); c.302-115C>T (NM_001354549.2, NM_001354548.2, NM_130838.4 and 17 more transcripts); c.361+3538C>T (NM_001354550.2); c.362-115C>T (NM_001354545.2, NM_001354538.2, NM_001354505.1); c.371-115C>T (NM_000462.5).
Identifiers: ClinVar variation 675210 (VCV000675210.1), dbSNP rs116216054, ClinGen allele CA267786207.
Genomic context (GRCh38, chr15:25,371,927, plus strand): 5'-TCTGTTGCAAAAAGTTCTAAAAGTAAAACAGCCAAACATTCTAGGCTCAATATCATTTAT[G>A]ATATACAACTCTTAAAGTATCTAATACTTAGATTCAGCAAACAAAATTTAATGCTTACCT-3'